The following is an entry in ClinVar:

NM_001048174.2(MUTYH):c.1318A>G (p.Thr440Ala)

Gene: MUTYH (mutY DNA glycosylase; minus strand). Cytogenetic location: 1p34.1.
Variant type: single nucleotide variant.
Coding change: c.1318A>G on transcript NM_001048174.2 (MANE Select); coding-DNA position 1318, A replaced by G.
Protein change: p.Thr440Ala; replaces threonine 440 with alanine.
Molecular consequence: missense variant. On other transcripts: non-coding transcript variant (2).
Genome position (GRCh38, 1-based): chr1:45,331,256, T>C on the plus strand (A>G on the coding strand, the complement: MUTYH is on the minus strand). VCF-style: chr1-45331256-T-C. GRCh37 (hg19) VCF-style: chr1-45796928-T-C.
Other names: c.1318A>G, p.Thr440Ala (NM_001048171.2, NM_001048173.2, NM_001293195.2); c.1321A>G, p.Thr441Ala (NM_001048172.2); c.1402A>G, p.Thr468Ala (NM_001128425.2); c.1363A>G, p.Thr455Ala (NM_001293190.2); c.1351A>G, p.Thr451Ala (NM_001293191.2); c.1042A>G, p.Thr348Ala (NM_001293192.2, NM_001293196.2); c.973A>G, p.Thr325Ala (NM_001350650.2, NM_001350651.2); c.1393A>G, p.Thr465Ala (NM_012222.3); short protein forms T440A, T451A, T325A, T348A, T455A, T468A, T441A, T465A.
Identifiers: ClinVar variation 928029 (VCV000928029.5), dbSNP rs1644780902, ClinGen allele CA340132645.

ClinVar aggregate classification (germline): Uncertain significance. Review status: criteria provided, multiple submitters, no conflicts (2 of 4 stars). 2 submissions from 2 submitters: Uncertain significance (2). Last evaluated 2025-08-27.

Conditions:
Hereditary cancer-predisposing syndrome. Also called: Neoplastic Syndromes, Hereditary; Hereditary Cancer Syndrome; Tumor predisposition; Hereditary neoplastic syndrome. Identifiers: Orphanet 140162, MedGen C0027672, MeSH D009386, MONDO:0015356.

Allele frequency attached by ClinVar (database versions not stated): gnomAD exomes below 0.00001.
gnomAD v4.1: 1 of 1,614,100 alleles (0.000062%); highest among the groups gnomAD compares: Non-Finnish European, 0.000085%; no homozygotes.

Submissions (2):

Ambry Genetics
Classification: Uncertain significance for Hereditary cancer-predisposing syndrome. Last evaluated: 2025-08-27. Review status: criteria provided, single submitter. Criteria: Ambry Variant Classification Scheme 2023. Collection method: clinical testing. Allele origin: germline.
Comment: The p.T468A variant (also known as c.1402A>G), located in coding exon 14 of the MUTYH gene, results from an A to G substitution at nucleotide position 1402. The threonine at codon 468 is replaced by alanine, an amino acid with similar properties. This amino acid position is conserved. In addition, this alteration is predicted to be tolerated by in silico analysis. Based on the available evidence, the clinical significance of this variant remains unclear.

Color Diagnostics, LLC DBA Color Health
Classification: Uncertain significance for Hereditary cancer-predisposing syndrome. Last evaluated: 2023-12-04. Review status: criteria provided, single submitter. Criteria: ACMG Guidelines, 2015. Collection method: clinical testing. Allele origin: germline.
Comment: This missense variant replaces threonine with alanine at codon 468 of the MUTYH protein. Computational prediction suggests that this variant may not impact protein structure and function (internally defined REVEL score threshold <= 0.5, PMID: 27666373). To our knowledge, functional studies have not been reported for this variant. This variant has not been reported in individuals affected with MUTYH-related disorders in the literature. This variant has not been identified in the general population by the Genome Aggregation Database (gnomAD). The available evidence is insufficient to determine the role of this variant in disease conclusively. Therefore, this variant is classified as a Variant of Uncertain Significance.